The following is an entry in ClinVar:

ClinVar aggregate classification (germline): Uncertain significance. Review status: criteria provided, multiple submitters, no conflicts (2 of 4 stars). 2 submissions from 2 submitters: Uncertain significance (2). Last evaluated 2026-01-22.

Conditions:
Inborn genetic diseases. Identifiers: MedGen C0950123, MeSH D030342.

Allele frequency attached by ClinVar (database versions not stated): 1000 Genomes Project 30x 0.00016; 1000 Genomes Project 0.00020; ExAC 0.00020; ESP Exome Variant Server 0.00062.
gnomAD v4.1: 1,249 of 1,603,912 alleles (0.078%); highest among the groups gnomAD compares: Non-Finnish European, 0.1%; no homozygotes.

Submissions (2):

Labcorp Genetics (formerly Invitae), Labcorp
Classification: Uncertain significance. Last evaluated: 2026-01-22. Review status: criteria provided, single submitter. Criteria: Invitae Variant Classification Sherloc (09022015). Collection method: clinical testing. Allele origin: germline.
Comment: This sequence change replaces methionine, which is neutral and non-polar, with isoleucine, which is neutral and non-polar, at codon 369 of the PLD1 protein (p.Met369Ile). This variant is present in population databases (rs141049239, gnomAD 0.05%). This variant has not been reported in the literature in individuals affected with PLD1-related conditions. ClinVar contains an entry for this variant (Variation ID: 2041746). Invitae Evidence Modeling of protein sequence and biophysical properties (such as structural, functional, and spatial information, amino acid conservation, physicochemical variation, residue mobility, and thermodynamic stability) indicates that this missense variant is not expected to disrupt PLD1 protein function with a negative predictive value of 80%. In summary, the available evidence is currently insufficient to determine the role of this variant in disease. Therefore, it has been classified as a Variant of Uncertain Significance.

Ambry Genetics
Classification: Uncertain significance for Inborn genetic diseases. Last evaluated: 2023-12-26. Review status: criteria provided, single submitter. Criteria: Ambry Variant Classification Scheme 2023. Collection method: clinical testing. Allele origin: germline.

NM_002662.5(PLD1):c.1107G>C (p.Met369Ile)

Gene: PLD1 (phospholipase D1; minus strand). Cytogenetic location: 3q26.31.
Variant type: single nucleotide variant.
Coding change: c.1107G>C on transcript NM_002662.5 (MANE Select); coding-DNA position 1107, G replaced by C.
Protein change: p.Met369Ile; replaces methionine 369 with isoleucine.
Molecular consequence: missense variant.
Genome position (GRCh38, 1-based): chr3:171,708,793, C>G on the plus strand (G>C on the coding strand, the complement: PLD1 is on the minus strand). VCF-style: chr3-171708793-C-G. GRCh37 (hg19) VCF-style: chr3-171426583-C-G.
Other names: c.1107G>C, p.Met369Ile (NM_001130081.3); short protein forms M369I.
Identifiers: ClinVar variation 2041746 (VCV002041746.3), dbSNP rs141049239, ClinGen allele CA2704740.